The following is an entry in ClinVar:

NM_000222.3(KIT):c.1100A>C (p.Asn367Thr)

Gene: KIT (KIT proto-oncogene, receptor tyrosine kinase; plus strand). Cytogenetic location: 4q12.
Variant type: single nucleotide variant.
Coding change: c.1100A>C on transcript NM_000222.3 (MANE Select); coding-DNA position 1100, A replaced by C.
Protein change: p.Asn367Thr; replaces asparagine 367 with threonine.
Molecular consequence: missense variant.
Genome position (GRCh38, 1-based): chr4:54,707,272, A>C. VCF-style: chr4-54707272-A-C. GRCh37 (hg19) VCF-style: chr4-55573438-A-C.
Other names: c.1100A>C, p.Asn367Thr (NM_001093772.2, NM_001385285.1, NM_001385286.1); c.1103A>C, p.Asn368Thr (NM_001385284.1, NM_001385288.1, NM_001385290.1 and 1 more transcripts); short protein forms N367T, N368T.
Identifiers: ClinVar variation 409746 (VCV000409746.16), dbSNP rs1060502552, ClinGen allele CA16611496.

ClinVar aggregate classification (germline): Uncertain significance (1 of 4 stars; one submission).

Conditions:
Gastrointestinal stromal tumor. Also called: Gastrointestinal stroma tumor; Gastrointestinal stromal tumor, somatic. Identifiers: Orphanet 44890, MedGen C0238198, MeSH D046152, MONDO:0011719, OMIM 606764, HP:0100723.

Submission:

Labcorp Genetics (formerly Invitae), Labcorp
Classification: Uncertain significance for Gastrointestinal stromal tumor. Last evaluated: 2016-08-09. Review status: criteria provided, single submitter. Criteria: Invitae Variant Classification Sherloc (09022015). Collection method: clinical testing. Allele origin: germline.
Comment: In summary, this variant is a novel missense change that is not predicted to affect protein function. There is no indication that it causes disease, but the available evidence is currently insufficient to prove that conclusively. Therefore, it has been classified as a Variant of Uncertain Significance. Algorithms developed to predict the effect of missense changes on protein structure and function (SIFT, PolyPhen-2, Align-GVGD) all suggest that this variant is likely to be tolerated, but these predictions have not been confirmed by published functional studies. This variant is not present in population databases (ExAC no frequency) and has not been reported in the literature in individuals with a KIT-related disease. This sequence change replaces asparagine with threonine at codon 367 of the KIT protein (p.Asn367Thr). The asparagine residue is moderately conserved and there is a small physicochemical difference between asparagine and threonine.